The following is an entry in ClinVar:

NM_004407.4(DMP1):c.1183T>G (p.Ser395Ala)

Genes: DMP1 (dentin matrix acidic phosphoprotein 1; plus strand), DMP1-AS1 (DMP1 and DSPP antisense RNA 1; minus strand). Cytogenetic location: 4q22.1.
Variant type: single nucleotide variant.
Coding change: c.1183T>G on transcript NM_004407.4 (MANE Select); coding-DNA position 1183, T replaced by G.
Protein change: p.Ser395Ala; replaces serine 395 with alanine.
Molecular consequence: missense variant.
Genome position (GRCh38, 1-based): chr4:87,662,961, T>G. VCF-style: chr4-87662961-T-G. GRCh37 (hg19) VCF-style: chr4-88584113-T-G.
Other names: c.1135T>G, p.Ser379Ala (NM_001079911.3); short protein forms S395A, S379A.
Identifiers: ClinVar variation 1900529 (VCV001900529.5), dbSNP rs1355232544, ClinGen allele CA357700920.

ClinVar aggregate classification (germline): Uncertain significance (1 of 4 stars; one submission).

Allele frequency attached by ClinVar (database versions not stated): gnomAD exomes below 0.00001.
gnomAD v4.1: 8 of 1,613,948 alleles (0.0005%); highest among the groups gnomAD compares: East Asian, 0.0045%; no homozygotes.

Submission:

Labcorp Genetics (formerly Invitae), Labcorp
Classification: Uncertain significance. Last evaluated: 2024-10-15. Review status: criteria provided, single submitter. Criteria: Invitae Variant Classification Sherloc (09022015). Collection method: clinical testing. Allele origin: germline.
Comment: This sequence change replaces serine, which is neutral and polar, with alanine, which is neutral and non-polar, at codon 395 of the DMP1 protein (p.Ser395Ala). This variant is present in population databases (no rsID available, gnomAD 0.003%). This variant has not been reported in the literature in individuals affected with DMP1-related conditions. ClinVar contains an entry for this variant (Variation ID: 1900529). Invitae Evidence Modeling of protein sequence and biophysical properties (such as structural, functional, and spatial information, amino acid conservation, physicochemical variation, residue mobility, and thermodynamic stability) indicates that this missense variant is expected to disrupt DMP1 protein function with a positive predictive value of 80%. In summary, the available evidence is currently insufficient to determine the role of this variant in disease. Therefore, it has been classified as a Variant of Uncertain Significance.